The following is an entry in ClinVar:

NM_138713.4(NFAT5):c.3590A>G (p.Gln1197Arg)

Gene: NFAT5 (nuclear factor of activated T cells 5; plus strand). Cytogenetic location: 16q22.1.
Variant type: single nucleotide variant.
Coding change: c.3590A>G on transcript NM_138713.4 (MANE Select); coding-DNA position 3590, A replaced by G.
Protein change: p.Gln1197Arg; replaces glutamine 1197 with arginine.
Molecular consequence: missense variant.
Genome position (GRCh38, 1-based): chr16:69,693,415, A>G. VCF-style: chr16-69693415-A-G. GRCh37 (hg19) VCF-style: chr16-69727318-A-G.
Other names: c.3587A>G, p.Gln1196Arg (NM_001113178.3); c.2915A>G, p.Gln972Arg (NM_001367709.1); c.3536A>G, p.Gln1179Arg (NM_006599.4); c.3308A>G, p.Gln1103Arg (NM_138714.4, NM_173214.3, NM_173215.3); short protein forms Q1179R, Q1196R, Q1197R, Q972R, Q1103R.
Identifiers: ClinVar variation 3727768 (VCV003727768.2).
Genomic context (GRCh38, chr16:69,693,415, plus strand): 5'-CATTTTTTGCAGCACCGAACTCAATTTCTCCACTTCAGTCAACATCAAACAGTGAACAAC[A>G]AGCTGCTTTCCAACAGCAAGCTCCAATATCACACATCCAGACTCCTATGCTTTCCCAAGA-3'
Protein context (NP_619727.2, residues 1187-1207): PLQSTSNSEQ[Gln1197Arg]AAFQQQAPIS

ClinVar aggregate classification (germline): Uncertain significance (1 of 4 stars; one submission).

Conditions:
Immunodeficiency. Identifiers: MedGen C0021051, MONDO:0021094, HP:0002721.

gnomAD v4.1: 7 of 1,614,216 alleles (0.00043%); highest among the groups gnomAD compares: Non-Finnish European, 0.00059%; no homozygotes.

Submission:

Labcorp Genetics (formerly Invitae), Labcorp
Classification: Uncertain significance for Immunodeficiency. Last evaluated: 2025-01-27. Review status: criteria provided, single submitter. Criteria: Invitae Variant Classification Sherloc (09022015). Collection method: clinical testing. Allele origin: germline.
Comment: This sequence change replaces glutamine, which is neutral and polar, with arginine, which is basic and polar, at codon 1103 of the NFAT5 protein (p.Gln1103Arg). This variant is not present in population databases (gnomAD no frequency). This variant has not been reported in the literature in individuals affected with NFAT5-related conditions. An algorithm developed to predict the effect of missense changes on protein structure and function (PolyPhen-2) suggests that this variant is likely to be tolerated. In summary, the available evidence is currently insufficient to determine the role of this variant in disease. Therefore, it has been classified as a Variant of Uncertain Significance.